The following is an entry in ClinVar:

NM_139177.4(SLC39A11):c.348C>T (p.Phe116=)

Genes: SLC39A11 (solute carrier family 39 member 11; minus strand), LOC126862633 (BRD4-independent group 4 enhancer GRCh37_chr17:70943638-70944837; plus strand). Cytogenetic location: 17q25.1.
Variant type: single nucleotide variant.
Coding change: c.348C>T on transcript NM_139177.4 (MANE Select); coding-DNA position 348, C replaced by T.
Protein change: p.Phe116=; no amino-acid change (phenylalanine 116 retained).
Molecular consequence: synonymous variant.
Genome position (GRCh38, 1-based): chr17:72,947,834, G>A on the plus strand (C>T on the coding strand, the complement: SLC39A11 is on the minus strand). VCF-style: chr17-72947834-G-A. GRCh37 (hg19) VCF-style: chr17-70943973-G-A.
Other names: c.348C>T, p.Phe116= (NM_001159770.2, NM_001352691.2, NM_001352692.2 and 1 more transcripts).
Identifiers: ClinVar variation 2648171 (VCV002648171.24), dbSNP rs149939873, ClinGen allele CA8739492.
Genomic context (GRCh38, chr17:72,947,834, plus strand): 5'-CTCAGGGAAGAGCAGCGCGGGACCCTCAGGATCAGACTTCTTCTTCATCAACGTAGAGCC[G>A]AAGTTCAGTGCCAGGGTCGTCTGGGGGTCTTCTGCTGCACCCTGAAACAAGAAGCGGTAA-3'
Protein context (NP_631916.2, residues 106-126): EDPQTTLALN[Phe116=]GSTLMKKKSD

ClinVar aggregate classification (germline): Likely benign (1 of 4 stars; one submission).

Allele frequency attached by ClinVar (database versions not stated): ESP Exome Variant Server 0.00008; 1000 Genomes Project 30x 0.00047; ExAC 0.00055; 1000 Genomes Project 0.00060.
gnomAD v4.1: 376 of 1,614,082 alleles (0.023%); highest among the groups gnomAD compares: South Asian, 0.38%; 2 homozygotes.

Submission:

CeGaT Center for Human Genetics Tuebingen
Classification: Likely benign. Last evaluated: 2022-09-01. Review status: criteria provided, single submitter. Criteria: CeGaT Center For Human Genetics Tuebingen Variant Classification Criteria Version 2. Collection method: clinical testing. Allele origin: germline. Affected: yes. Observed: 1 variant allele.
Comment: SLC39A11: BP4, BP7